The following is an entry in ClinVar:

ClinVar aggregate classification (germline): Uncertain significance (1 of 4 stars; one submission).

Conditions:
Immunodeficiency, common variable, 10. Also called: IMMUNODEFICIENCY, COMMON VARIABLE, WITH CENTRAL ADRENAL INSUFFICIENCY; DEFICIT IN ANTERIOR PITUITARY FUNCTION AND VARIABLE IMMUNODEFICIENCY. Identifiers: MedGen C3809991, MONDO:0014260, OMIM 615577.

Allele frequency attached by ClinVar (database versions not stated): TOPMed 0.00001.
gnomAD v4.1: 1 of 1,613,808 alleles (0.000062%); highest among the groups gnomAD compares: Non-Finnish European, 0.000085%; no homozygotes.

Submission:

Labcorp Genetics (formerly Invitae), Labcorp
Classification: Uncertain significance for Immunodeficiency, common variable, 10. Last evaluated: 2022-11-28. Review status: criteria provided, single submitter. Criteria: Invitae Variant Classification Sherloc (09022015). Collection method: clinical testing. Allele origin: germline.
Comment: In summary, the available evidence is currently insufficient to determine the role of this variant in disease. Therefore, it has been classified as a Variant of Uncertain Significance. Variants that disrupt the consensus splice site are a relatively common cause of aberrant splicing (PMID: 17576681, 9536098). Algorithms developed to predict the effect of sequence changes on RNA splicing suggest that this variant is not likely to affect RNA splicing. This variant has not been reported in the literature in individuals affected with NFKB2-related conditions. This variant is not present in population databases (gnomAD no frequency). This sequence change falls in intron 15 of the NFKB2 gene. It does not directly change the encoded amino acid sequence of the NFKB2 protein. It affects a nucleotide within the consensus splice site.

Literature cited by the submitters: PubMed 17576681; PubMed 9536098.

NM_001322934.2(NFKB2):c.1584+5G>T

Gene: NFKB2 (nuclear factor kappa B subunit 2; plus strand). Cytogenetic location: 10q24.32.
Variant type: single nucleotide variant.
Coding change: c.1584+5G>T on transcript NM_001322934.2 (MANE Select); 5 bases into the intron after coding-DNA position 1584, G replaced by T.
Molecular consequence: intron variant.
Genome position (GRCh38, 1-based): chr10:102,400,199, G>T. VCF-style: chr10-102400199-G-T. GRCh37 (hg19) VCF-style: chr10-104159956-G-T.
Other names: c.1584+5G>T (NM_001288724.1, NM_001077494.3, NM_001261403.3 and 1 more transcripts); c.1458+5G>T (NM_001322935.1).
Identifiers: ClinVar variation 2817008 (VCV002817008.3), dbSNP rs758374952, ClinGen allele CA1932654797.